The following is an entry in ClinVar:

NM_020982.4(CLDN9):c.330C>G (p.Asp110Glu)

Gene: CLDN9 (claudin 9; plus strand). Cytogenetic location: 16p13.3.
Variant type: single nucleotide variant.
Coding change: c.330C>G on transcript NM_020982.4 (MANE Select); coding-DNA position 330, C replaced by G.
Protein change: p.Asp110Glu; replaces aspartic acid 110 with glutamic acid.
Molecular consequence: missense variant.
Genome position (GRCh38, 1-based): chr16:3,013,692, C>G. VCF-style: chr16-3013692-C-G. GRCh37 (hg19) VCF-style: chr16-3063693-C-G.
Other names: short protein forms D110E.
Identifiers: ClinVar variation 2522829 (VCV002522829.4), dbSNP rs199855287, ClinGen allele CA7854039.

ClinVar aggregate classification (germline): Uncertain significance. Review status: criteria provided, single submitter (1 of 4 stars). 2 submissions from 2 submitters: Uncertain significance (1). 1 of the submissions does not count toward it. Last evaluated 2023-03-29.

Conditions:
CLDN9-related disorder. Also called: CLDN9-related condition.

Allele frequency attached by ClinVar (database versions not stated): 1000 Genomes Project 30x 0.00016; 1000 Genomes Project 0.00020.

Submissions (2):

Ambry Genetics
Classification: Uncertain significance. Last evaluated: 2023-03-29. Review status: criteria provided, single submitter. Criteria: Ambry Variant Classification Scheme 2023. Collection method: clinical testing. Allele origin: germline.

PreventionGenetics, part of Exact Sciences
Classification: Likely benign for CLDN9-related condition. Last evaluated: 2023-01-03. Review status: no assertion criteria provided. Collection method: clinical testing. Allele origin: germline. Not counted in ClinVar's aggregate classification.
Comment: This variant is classified as likely benign based on ACMG/AMP sequence variant interpretation guidelines (Richards et al. 2015 PMID: 25741868, with internal and published modifications).